The following is an entry in ClinVar:

NM_000719.7(CACNA1C):c.6209C>T (p.Thr2070Ile)

Genes: CACNA1C (calcium voltage-gated channel subunit alpha1 C; plus strand), CACNA1C-AS1 (CACNA1C antisense RNA 1; minus strand). Cytogenetic location: 12p13.33.
Variant type: single nucleotide variant.
Coding change: c.6209C>T on transcript NM_000719.7 (MANE Select); coding-DNA position 6209, C replaced by T.
Protein change: p.Thr2070Ile; replaces threonine 2070 with isoleucine.
Molecular consequence: missense variant.
Genome position (GRCh38, 1-based): chr12:2,690,991, C>T. VCF-style: chr12-2690991-C-T. GRCh37 (hg19) VCF-style: chr12-2800157-C-T.
Other names: c.6209C>T (NM_000719.6); c.6353C>T, p.Thr2118Ile (NM_001129827.2); c.6332C>T, p.Thr2111Ile (NM_001129829.2); c.6314C>T, p.Thr2105Ile (NM_001129830.3, NM_001167624.3); c.6293C>T, p.Thr2098Ile (NM_001129831.2); c.6269C>T, p.Thr2090Ile (NM_001129832.2); c.6266C>T, p.Thr2089Ile (NM_001129833.2, NM_001129834.2, NM_001129835.2); c.6260C>T, p.Thr2087Ile (NM_001129836.2); and 7 more; short protein forms T2089I, T2059I, T2076I, T2087I, T2105I, T2078I, T2111I, T2118I.
Identifiers: ClinVar variation 1372936 (VCV001372936.7), dbSNP rs1292503025, ClinGen allele CA383386399.
Genomic context (GRCh38, chr12:2,690,991, plus strand): 5'-CTCAAGATCCCAAGTTCATCGAGGTCACCACCCAGGAGCTGGCCGACGCCTGCGACATGA[C>T]CATAGAGGAGATGGAGAGCGCGGCCGACAACATCCTCAGCGGGGGCGCCCCACAGAGCCC-3'
Protein context (NP_000710.5, residues 2060-2080): TQELADACDM[Thr2070Ile]IEEMESAADN

ClinVar aggregate classification (germline): Uncertain significance. Review status: criteria provided, multiple submitters, no conflicts (2 of 4 stars). 2 submissions from 2 submitters: Uncertain significance (2). Last evaluated 2025-09-10.

Conditions:
Cardiovascular phenotype. Identifiers: MedGen CN230736.
Long QT syndrome (LQTS). Identifiers: MedGen C0023976, MeSH D008133, MONDO:0002442. Disease mechanism: loss of function. Inheritance: Various modes of inheritance.

Allele frequency attached by ClinVar (database versions not stated): gnomAD exomes below 0.00001; gnomAD 0.00001; TOPMed 0.00001.
gnomAD v4.1: 2 of 1,600,658 alleles (0.00012%); highest among the groups gnomAD compares: Admixed American, 0.0017%; no homozygotes.

Submissions (2):

Labcorp Genetics (formerly Invitae), Labcorp
Classification: Uncertain significance for Long QT syndrome. Last evaluated: 2025-09-10. Review status: criteria provided, single submitter. Criteria: Invitae Variant Classification Sherloc (09022015). Collection method: clinical testing. Allele origin: germline.
Comment: This sequence change replaces threonine, which is neutral and polar, with isoleucine, which is neutral and non-polar, at codon 2070 of the CACNA1C protein (p.Thr2070Ile). This variant is not present in population databases (gnomAD no frequency). This variant has not been reported in the literature in individuals affected with CACNA1C-related conditions. ClinVar contains an entry for this variant (Variation ID: 1372936). Invitae Evidence Modeling of protein sequence and biophysical properties (such as structural, functional, and spatial information, amino acid conservation, physicochemical variation, residue mobility, and thermodynamic stability) indicates that this missense variant is not expected to disrupt CACNA1C protein function with a negative predictive value of 95%. In summary, the available evidence is currently insufficient to determine the role of this variant in disease. Therefore, it has been classified as a Variant of Uncertain Significance.

Ambry Genetics
Classification: Uncertain significance for Cardiovascular phenotype. Last evaluated: 2025-08-05. Review status: criteria provided, single submitter. Criteria: Ambry Variant Classification Scheme 2023. Collection method: clinical testing. Allele origin: germline.
Comment: The p.T2070I variant (also known as c.6209C>T), located in coding exon 47 of the CACNA1C gene, results from a C to T substitution at nucleotide position 6209. The threonine at codon 2070 is replaced by isoleucine, an amino acid with similar properties. This amino acid position is highly conserved in available vertebrate species. In addition, the in silico prediction for this alteration is inconclusive. Based on the available evidence, the clinical significance of this variant remains unclear.